The following is an entry in ClinVar:

NM_000051.4(ATM):c.993G>C (p.Lys331Asn)

Gene: ATM (ATM serine/threonine kinase; plus strand). Cytogenetic location: 11q22.3.
Variant type: single nucleotide variant.
Coding change: c.993G>C on transcript NM_000051.4 (MANE Select); coding-DNA position 993, G replaced by C.
Protein change: p.Lys331Asn; replaces lysine 331 with asparagine.
Molecular consequence: missense variant.
Genome position (GRCh38, 1-based): chr11:108,247,055, G>C. VCF-style: chr11-108247055-G-C. GRCh37 (hg19) VCF-style: chr11-108117782-G-C.
Other names: c.993G>C, p.Lys331Asn (NM_001351834.2); short protein forms K331N.
Identifiers: ClinVar variation 2774027 (VCV002774027.3), dbSNP rs786202048, ClinGen allele CA382531288.

ClinVar aggregate classification (germline): Uncertain significance. Review status: criteria provided, multiple submitters, no conflicts (2 of 4 stars). 2 submissions from 2 submitters: Uncertain significance (2). Last evaluated 2024-10-23.

Conditions:
Hereditary cancer-predisposing syndrome. Also called: Hereditary neoplastic syndrome; Hereditary Cancer Syndrome; Neoplastic Syndromes, Hereditary; Tumor predisposition. Identifiers: Orphanet 140162, MedGen C0027672, MeSH D009386, MONDO:0015356.

Submissions (2):

Ambry Genetics
Classification: Uncertain significance for Hereditary cancer-predisposing syndrome. Last evaluated: 2024-10-23. Review status: criteria provided, single submitter. Criteria: Ambry Variant Classification Scheme 2023. Collection method: clinical testing. Allele origin: germline.
Comment: The p.K331N variant (also known as c.993G>C), located in coding exon 7 of the ATM gene, results from a G to C substitution at nucleotide position 993. The lysine at codon 331 is replaced by asparagine, an amino acid with similar properties. This amino acid position is conserved. In addition, this alteration is predicted to be tolerated by in silico analysis. Based on the available evidence, the clinical significance of this variant remains unclear.

Color Diagnostics, LLC DBA Color Health
Classification: Uncertain significance for Hereditary cancer-predisposing syndrome. Last evaluated: 2023-11-13. Review status: criteria provided, single submitter. Criteria: ACMG Guidelines, 2015. Collection method: clinical testing. Allele origin: germline.
Comment: This missense variant replaces lysine with asparagine at codon 331 of the ATM protein. Computational prediction suggests that this variant may not impact protein structure and function (internally defined REVEL score threshold <= 0.5, PMID: 27666373). To our knowledge, functional studies have not been reported for this variant. This variant has not been reported in individuals affected with ATM-related disorders in the literature. This variant has not been identified in the general population by the Genome Aggregation Database (gnomAD). The available evidence is insufficient to determine the role of this variant in disease conclusively. Therefore, this variant is classified as a Variant of Uncertain Significance.